The following is an entry in ClinVar:

ClinVar aggregate classification (germline): Uncertain significance (1 of 4 stars; one submission).

Conditions:
Hereditary spastic paraplegia 30. Identifiers: Orphanet 101010, MedGen C5235139, MONDO:0012476.
Neuropathy, hereditary sensory, type 2C. Also called: Hereditary sensory and autonomic neuropathy type IIC; KIF1A-Related HSAN2 (HSAN2C). Identifiers: Orphanet 970, MedGen C3280168, MONDO:0013634, OMIM 614213.
Intellectual disability, autosomal dominant 9 (NESCAVS). Also called: NESCAV SYNDROME; KIF1A-Related Neurodevelopmental Disorder. Identifiers: Orphanet 662367, MedGen C5393830, MONDO:0013656, OMIM 614255.

Submission:

Labcorp Genetics (formerly Invitae), Labcorp
Classification: Uncertain significance for Hereditary spastic paraplegia 30; Neuropathy, hereditary sensory, type 2C; Intellectual disability, autosomal dominant 9. Last evaluated: 2022-10-13. Review status: criteria provided, single submitter. Criteria: Invitae Variant Classification Sherloc (09022015). Collection method: clinical testing. Allele origin: germline.
Comment: In summary, the available evidence is currently insufficient to determine the role of this variant in disease. Therefore, it has been classified as a Variant of Uncertain Significance. This sequence change replaces threonine, which is neutral and polar, with lysine, which is basic and polar, at codon 755 of the KIF1A protein (p.Thr755Lys). This variant is not present in population databases (gnomAD no frequency). This variant has not been reported in the literature in individuals affected with KIF1A-related conditions. Advanced modeling of protein sequence and biophysical properties (such as structural, functional, and spatial information, amino acid conservation, physicochemical variation, residue mobility, and thermodynamic stability) has been performed at Invitae for this missense variant, however the output from this modeling did not meet the statistical confidence thresholds required to predict the impact of this variant on KIF1A protein function.

NM_001244008.2(KIF1A):c.2291C>A (p.Thr764Lys)

Gene: KIF1A (kinesin family member 1A; minus strand). Cytogenetic location: 2q37.3.
Variant type: single nucleotide variant.
Coding change: c.2291C>A on transcript NM_001244008.2 (MANE Select); coding-DNA position 2291, C replaced by A.
Protein change: p.Thr764Lys; replaces threonine 764 with lysine.
Molecular consequence: missense variant.
Genome position (GRCh38, 1-based): chr2:240,760,818, G>T on the plus strand (C>A on the coding strand, the complement: KIF1A is on the minus strand). VCF-style: chr2-240760818-G-T. GRCh37 (hg19) VCF-style: chr2-241700235-G-T.
Other names: c.2291C>A, p.Thr764Lys (NM_001320705.2, NM_001330289.2, NM_001379638.1); c.2366C>A, p.Thr789Lys (NM_001330290.2, NM_001379631.1, NM_001379634.1 and 2 more transcripts); c.2264C>A, p.Thr755Lys (NM_001379632.1, NM_001379633.1, NM_001379636.1 and 11 more transcripts); c.2339C>A, p.Thr780Lys (NM_001379637.1, NM_001379648.1); short protein forms T755K, T764K, T780K, T789K.
Identifiers: ClinVar variation 1721527 (VCV001721527.6), dbSNP rs1371683732, ClinGen allele CA351325109.